The following is an entry in ClinVar:

ClinVar aggregate classification (germline): Uncertain significance. Review status: criteria provided, multiple submitters, no conflicts (2 of 4 stars). 2 submissions from 2 submitters: Uncertain significance (2). Last evaluated 2023-12-13.

Allele frequency attached by ClinVar (database versions not stated): TOPMed below 0.00001; gnomAD 0.00001.
gnomAD v4.1: 1 of 1,591,962 alleles (0.000063%); highest among the groups gnomAD compares: Non-Finnish European, 0.000086%; no homozygotes.

Submissions (2):

GeneDx
Classification: Uncertain significance. Last evaluated: 2023-12-13. Review status: criteria provided, single submitter. Criteria: GeneDx Variant Classification Process June 2021. Collection method: clinical testing. Allele origin: germline. Affected: yes.
Comment: Not observed at significant frequency in large population cohorts (gnomAD); In silico analysis supports that this missense variant has a deleterious effect on protein structure/function; Has not been previously published as pathogenic or benign to our knowledge

Labcorp Genetics (formerly Invitae), Labcorp
Classification: Uncertain significance. Last evaluated: 2022-12-21. Review status: criteria provided, single submitter. Criteria: Invitae Variant Classification Sherloc (09022015). Collection method: clinical testing. Allele origin: germline.
Comment: This variant is not present in population databases (gnomAD no frequency). This variant has not been reported in the literature in individuals affected with ACAN-related conditions. This sequence change replaces glycine, which is neutral and non-polar, with serine, which is neutral and polar, at codon 520 of the ACAN protein (p.Gly520Ser). Advanced modeling of protein sequence and biophysical properties (such as structural, functional, and spatial information, amino acid conservation, physicochemical variation, residue mobility, and thermodynamic stability) performed at Invitae indicates that this missense variant is not expected to disrupt ACAN protein function. In summary, the available evidence is currently insufficient to determine the role of this variant in disease. Therefore, it has been classified as a Variant of Uncertain Significance.

NM_001369268.1(ACAN):c.1558G>A (p.Gly520Ser)

Gene: ACAN (aggrecan; plus strand). Cytogenetic location: 15q26.1.
Variant type: single nucleotide variant.
Coding change: c.1558G>A on transcript NM_001369268.1 (MANE Select); coding-DNA position 1558, G replaced by A.
Protein change: p.Gly520Ser; replaces glycine 520 with serine.
Molecular consequence: missense variant.
Genome position (GRCh38, 1-based): chr15:88,847,371, G>A. VCF-style: chr15-88847371-G-A. GRCh37 (hg19) VCF-style: chr15-89390602-G-A.
Other names: c.1558G>A, p.Gly520Ser (NM_001135.4, NM_001411096.1, NM_001411097.1 and 1 more transcripts); c.1558G>A (NM_013227.3); short protein forms G520S.
Identifiers: ClinVar variation 2786352 (VCV002786352.4), dbSNP rs1893633182, ClinGen allele CA393710754.